The following is an entry in ClinVar:

NM_007247.6(SYNRG):c.3579G>C (p.Val1193=)

Gene: SYNRG (synergin gamma; minus strand). Cytogenetic location: 17q12.
Variant type: single nucleotide variant.
Coding change: c.3579G>C on transcript NM_007247.6 (MANE Select); coding-DNA position 3579, G replaced by C.
Protein change: p.Val1193=; no amino-acid change (valine 1193 retained).
Molecular consequence: synonymous variant.
Genome position (GRCh38, 1-based): chr17:37,536,066, C>G on the plus strand (G>C on the coding strand, the complement: SYNRG is on the minus strand). VCF-style: chr17-37536066-C-G. GRCh37 (hg19) VCF-style: chr17-35896168-C-G.
Other names: c.3345G>C, p.Val1115= (NM_001163544.3, NM_080550.5, NM_198882.3); c.3342G>C, p.Val1114= (NM_001163545.3); c.3210G>C, p.Val1070= (NM_001163546.3); c.2961G>C, p.Val987= (NM_001163547.3); c.3882G>C, p.Val1294= (NM_001405103.1).
Identifiers: ClinVar variation 3053579 (VCV003053579.2), dbSNP rs2547878731, ClinGen allele CA499601653.
Genomic context (GRCh38, chr17:37,536,066, plus strand): 5'-GATTAGGTTATTCCATACTTTATCGATGTCCTTCAGCAACTGCTGGAGTTTCTCACTGCA[C>G]ACTGCAGTGGCTTTTATCCCCAGCTCCACACGCTTGGTTACCCTGTACACTTCAACAACA-3'
Protein context (NP_009178.3, residues 1183-1203): RVELGIKATA[Val1193=]CSEKLQQLLK

ClinVar aggregate classification (germline): Likely benign (0 of 4 stars; one submission).

Conditions:
SYNRG-related disorder. Also called: SYNRG-related condition.

Submission:

PreventionGenetics, part of Exact Sciences
Classification: Likely benign for SYNRG-related condition. Last evaluated: 2019-08-28. Review status: no assertion criteria provided. Collection method: clinical testing. Allele origin: germline.
Comment: This variant is classified as likely benign based on ACMG/AMP sequence variant interpretation guidelines (Richards et al. 2015 PMID: 25741868, with internal and published modifications).